The following is an entry in ClinVar:

ClinVar aggregate classification (germline): Pathogenic (1 of 4 stars; one submission).

Submission:

Labcorp Genetics (formerly Invitae), Labcorp
Classification: Pathogenic. Last evaluated: 2022-08-16. Review status: criteria provided, single submitter. Criteria: Invitae Variant Classification Sherloc (09022015). Collection method: clinical testing. Allele origin: germline.
Comment: This sequence change creates a premature translational stop signal (p.Pro660Hisfs*25) in the SZT2 gene. It is expected to result in an absent or disrupted protein product. Loss-of-function variants in SZT2 are known to be pathogenic (PMID: 23932106, 27248490, 28556953). This variant is not present in population databases (gnomAD no frequency). This variant has not been reported in the literature in individuals affected with SZT2-related conditions. ClinVar contains an entry for this variant (Variation ID: 1365482). For these reasons, this variant has been classified as Pathogenic.

Literature cited by the submitters: PubMed 23932106; PubMed 27248490; PubMed 28556953.

NM_001365999.1(SZT2):c.1979del (p.Pro660fs)

Gene: SZT2 (SZT2 subunit of KICSTOR complex; plus strand). Cytogenetic location: 1p34.2.
Variant type: Deletion.
Coding change: c.1979del on transcript NM_001365999.1 (MANE Select); coding-DNA position 1979, one base deleted (C; older notation c.1979delC).
Protein change: p.Pro660fs; shifts the reading frame from proline 660.
Molecular consequence: frameshift variant.
Genome position (GRCh38, 1-based): chr1:43,422,825, C deleted; the last of 4 consecutive C bases (chr1:43,422,822-43,422,825); deleting any one gives the same sequence. VCF-style (leftmost placement, unchanged base first): chr1-43422821-GC-G. GRCh37 (hg19) VCF-style: chr1-43888492-GC-G.
Other names: c.1979del, p.Pro660fs (NM_015284.4); short protein forms P660fs.
Identifiers: ClinVar variation 1365482 (VCV001365482.6), dbSNP rs2153932585, ClinGen allele CA2573132457.
Genomic context (GRCh38, chr1:43,422,821, plus strand): 5'-CTCCCCAGTGCCCCAGACCAGCCCCCCAATTCCTTCTACATGGTCCGTATCATTTCCAAG[GC>G]CCCATGCATGGTTCTTCGCCTGGGTTTTCCCATTGGCACACCAGCACCGGCCCGGCACAA-3'